The following is an entry in ClinVar:

NM_001844.5(COL2A1):c.2059G>C (p.Gly687Arg)

Gene: COL2A1 (collagen type II alpha 1 chain; minus strand). Cytogenetic location: 12q13.11.
Variant type: single nucleotide variant.
Coding change: c.2059G>C on transcript NM_001844.5 (MANE Select); coding-DNA position 2059, G replaced by C.
Protein change: p.Gly687Arg; replaces glycine 687 with arginine.
Molecular consequence: missense variant.
Genome position (GRCh38, 1-based): chr12:47,983,128, C>G on the plus strand (G>C on the coding strand, the complement: COL2A1 is on the minus strand). VCF-style: chr12-47983128-C-G. GRCh37 (hg19) VCF-style: chr12-48376911-C-G.
Other names: c.1852G>C, p.Gly618Arg (NM_033150.3); short protein forms G618R, G687R.
Identifiers: ClinVar variation 3359422 (VCV003359422.1).

ClinVar aggregate classification (germline): Pathogenic (1 of 4 stars; one submission).

Submission:

GeneDx
Classification: Pathogenic. Last evaluated: 2024-04-01. Review status: criteria provided, single submitter. Criteria: GeneDx Variant Classification Process June 2021. Collection method: clinical testing. Allele origin: germline. Affected: yes.
Comment: Occurs in the triple helical domain and replaces a glycine in a canonical Gly-X-Y repeat; missense substitution of a canonical glycine residue is expected to disrupt normal protein folding and function, and this is an established mechanism of disease (PMID: 34007986); Not observed at significant frequency in large population cohorts (gnomAD); In silico analysis supports that this missense variant has a deleterious effect on protein structure/function; This variant is associated with the following publications: (PMID: 26626311, 34007986, 31972903, 22791362)